The following is an entry in ClinVar:

NM_005097.4(LGI1):c.757G>A (p.Ala253Thr)

Gene: LGI1 (leucine rich glioma inactivated 1; plus strand). Cytogenetic location: 10q23.33.
Variant type: single nucleotide variant.
Coding change: c.757G>A on transcript NM_005097.4 (MANE Select); coding-DNA position 757, G replaced by A.
Protein change: p.Ala253Thr; replaces alanine 253 with threonine.
Molecular consequence: missense variant. On other transcripts: non-coding transcript variant (1).
Genome position (GRCh38, 1-based): chr10:93,793,269, G>A. VCF-style: chr10-93793269-G-A. GRCh37 (hg19) VCF-style: chr10-95553026-G-A.
Other names: c.757G>A, p.Ala253Thr (NM_001308275.2); c.613G>A, p.Ala205Thr (NM_001308276.2); short protein forms A205T, A253T.
Identifiers: ClinVar variation 952849 (VCV000952849.12), dbSNP rs1440639718, ClinGen allele CA377624230.

ClinVar aggregate classification (germline): Uncertain significance. Review status: criteria provided, multiple submitters, no conflicts (2 of 4 stars). 3 submissions from 3 submitters: Uncertain significance (3). Last evaluated 2025-06-02.

Conditions:
Autosomal dominant epilepsy with auditory features. Identifiers: Orphanet 101046, MedGen C1838062, MONDO:0010898.
Epilepsy, familial temporal lobe, 1. Identifiers: Orphanet 101046, MedGen CN030884, MONDO:0700090, OMIM 600512.

Allele frequency attached by ClinVar (database versions not stated): gnomAD 0.00001; gnomAD exomes 0.00002; TOPMed 0.00005.
gnomAD v4.1: 49 of 1,611,392 alleles (0.003%); highest among the groups gnomAD compares: East Asian, 0.0045%; no homozygotes.

Submissions (3):

Labcorp Genetics (formerly Invitae), Labcorp
Classification: Uncertain significance for Autosomal dominant epilepsy with auditory features. Last evaluated: 2025-06-02. Review status: criteria provided, single submitter. Criteria: Invitae Variant Classification Sherloc (09022015). Collection method: clinical testing. Allele origin: germline.
Comment: This sequence change replaces alanine, which is neutral and non-polar, with threonine, which is neutral and polar, at codon 253 of the LGI1 protein (p.Ala253Thr). This variant is present in population databases (no rsID available, gnomAD 0.004%). This missense change has been observed in individual(s) with clinical features of LGI1-related conditions (PMID: 37471090). ClinVar contains an entry for this variant (Variation ID: 952849). Invitae Evidence Modeling of protein sequence and biophysical properties (such as structural, functional, and spatial information, amino acid conservation, physicochemical variation, residue mobility, and thermodynamic stability) indicates that this missense variant is not expected to disrupt LGI1 protein function with a negative predictive value of 80%. In summary, the available evidence is currently insufficient to determine the role of this variant in disease. Therefore, it has been classified as a Variant of Uncertain Significance.

ARUP Laboratories, Molecular Genetics and Genomics, ARUP Laboratories
Classification: Uncertain significance for Epilepsy, familial temporal lobe, 1. Last evaluated: 2025-04-25. Review status: criteria provided, single submitter. Criteria: ARUP Molecular Germline Variant Investigation Process 2024. Collection method: clinical testing. Allele origin: germline.

GeneDx
Classification: Uncertain significance. Last evaluated: 2020-12-17. Review status: criteria provided, single submitter. Criteria: GeneDx Variant Classification Process June 2021. Collection method: clinical testing. Allele origin: germline. Affected: yes.
Comment: Not observed at a significant frequency in large population cohorts (Lek et al., 2016); In silico analysis, which includes protein predictors and evolutionary conservation, supports a deleterious effect; Has not been previously published as pathogenic or benign to our knowledge

Literature cited by the submitters: PubMed 37471090 (cited by Labcorp Genetics (formerly Invitae), Labcorp).